The following is an entry in ClinVar:

ClinVar aggregate classification (germline): Likely benign (0 of 4 stars; one submission).

Conditions:
NRP2-related disorder. Also called: NRP2-related condition.

Submission:

PreventionGenetics, part of Exact Sciences
Classification: Likely benign for NRP2-related condition. Last evaluated: 2023-10-25. Review status: no assertion criteria provided. Collection method: clinical testing. Allele origin: germline.
Comment: This variant is classified as likely benign based on ACMG/AMP sequence variant interpretation guidelines (Richards et al. 2015 PMID: 25741868, with internal and published modifications).

NM_003872.3(NRP2):c.1203A>G (p.Pro401=)

Gene: NRP2 (neuropilin 2; plus strand). Cytogenetic location: 2q33.3.
Variant type: single nucleotide variant.
Coding change: c.1203A>G on transcript NM_003872.3 (MANE Select); coding-DNA position 1203, A replaced by G.
Protein change: p.Pro401=; no amino-acid change (proline 401 retained).
Molecular consequence: synonymous variant.
Genome position (GRCh38, 1-based): chr2:205,740,575, A>G. VCF-style: chr2-205740575-A-G. GRCh37 (hg19) VCF-style: chr2-206605299-A-G.
Other names: c.1203A>G, p.Pro401= (NM_018534.4, NM_201264.2, NM_201266.2 and 2 more transcripts).
Identifiers: ClinVar variation 3349652 (VCV003349652.1).